The following is an entry in ClinVar:

ClinVar aggregate classification (germline): Uncertain significance. Review status: criteria provided, multiple submitters, no conflicts (2 of 4 stars). 3 submissions from 3 submitters: Uncertain significance (3). Last evaluated 2026-01-27.

Conditions:
Inborn genetic diseases. Identifiers: MedGen C0950123, MeSH D030342.

Allele frequency attached by ClinVar (database versions not stated): ExAC 0.00008; gnomAD 0.00008; gnomAD exomes 0.00009; TOPMed 0.00014; 1000 Genomes Project 0.00020; 1000 Genomes Project 30x 0.00031.
gnomAD v4.1: 148 of 1,613,910 alleles (0.0092%); highest among the groups gnomAD compares: Admixed American, 0.017%; no homozygotes.

Submissions (3):

Labcorp Genetics (formerly Invitae), Labcorp
Classification: Uncertain significance. Last evaluated: 2026-01-27. Review status: criteria provided, single submitter. Criteria: Invitae Variant Classification Sherloc (09022015). Collection method: clinical testing. Allele origin: germline.
Comment: This sequence change replaces arginine, which is basic and polar, with cysteine, which is neutral and slightly polar, at codon 436 of the LTBP4 protein (p.Arg436Cys). This variant is present in population databases (rs111506468, gnomAD 0.01%). This variant has not been reported in the literature in individuals affected with LTBP4-related conditions. ClinVar contains an entry for this variant (Variation ID: 1214772). Experimental studies and prediction algorithms are not available or were not evaluated, and the functional significance of this variant is currently unknown. In summary, the available evidence is currently insufficient to determine the role of this variant in disease. Therefore, it has been classified as a Variant of Uncertain Significance.

GeneDx
Classification: Uncertain significance. Last evaluated: 2025-10-21. Review status: criteria provided, single submitter. Criteria: GeneDx Variant Classification Process June 2021. Collection method: clinical testing. Allele origin: germline. Affected: yes.
Comment: Has not been previously published as pathogenic or benign to our knowledge; Not observed at significant frequency in large population cohorts (gnomAD); In silico analysis supports that this missense variant has a deleterious effect on protein structure/function

Ambry Genetics
Classification: Uncertain significance for Inborn genetic diseases. Last evaluated: 2025-04-12. Review status: criteria provided, single submitter. Criteria: Ambry Variant Classification Scheme 2023. Collection method: clinical testing. Allele origin: germline.

NM_001042545.2(LTBP4):c.1216C>T (p.Arg406Cys)

Gene: LTBP4 (latent transforming growth factor beta binding protein 4; plus strand). Cytogenetic location: 19q13.2.
Variant type: single nucleotide variant.
Coding change: c.1216C>T on transcript NM_001042545.2 (MANE Select); coding-DNA position 1216, C replaced by T.
Protein change: p.Arg406Cys; replaces arginine 406 with cysteine.
Molecular consequence: missense variant.
Genome position (GRCh38, 1-based): chr19:40,608,279, C>T. VCF-style: chr19-40608279-C-T. GRCh37 (hg19) VCF-style: chr19-41114185-C-T.
Other names: c.1417C>T, p.Arg473Cys (NM_001042544.1); c.1306C>T, p.Arg436Cys (NM_003573.2); short protein forms R406C, R436C, R473C.
Identifiers: ClinVar variation 1214772 (VCV001214772.14), dbSNP rs111506468, ClinGen allele CA9448222.
Genomic context (GRCh38, chr19:40,608,279, plus strand): 5'-GAGGGTTTCCGGGAGATCTGCCCGGCTGGTCCTGGTTACCACTACTCGGCCTCCGACCTC[C>T]GCTACAACACCAGACCCCTGGGCCAGGAGCCACCCCGAGTGTCACTCAGCCAGCCTCGTA-3'
Protein context (NP_001036010.1, residues 396-416): PGYHYSASDL[Arg406Cys]YNTRPLGQEP